The following is an entry in ClinVar:

ClinVar aggregate classification (germline): Uncertain significance (1 of 4 stars; one submission).

Conditions:
Cryopyrin associated periodic syndrome (CAPS). Identifiers: Orphanet 208650, MedGen C2316212, MONDO:0016168.

Submission:

Labcorp Genetics (formerly Invitae), Labcorp
Classification: Uncertain significance for Cryopyrin associated periodic syndrome. Last evaluated: 2022-10-07. Review status: criteria provided, single submitter. Criteria: Invitae Variant Classification Sherloc (09022015). Collection method: clinical testing. Allele origin: germline.
Comment: This sequence change replaces leucine, which is neutral and non-polar, with valine, which is neutral and non-polar, at codon 29 of the NLRP3 protein (p.Leu29Val). This variant is not present in population databases (gnomAD no frequency). This variant has not been reported in the literature in individuals affected with NLRP3-related conditions. Advanced modeling of protein sequence and biophysical properties (such as structural, functional, and spatial information, amino acid conservation, physicochemical variation, residue mobility, and thermodynamic stability) performed at Invitae indicates that this missense variant is not expected to disrupt NLRP3 protein function. In summary, the available evidence is currently insufficient to determine the role of this variant in disease. Therefore, it has been classified as a Variant of Uncertain Significance.

NM_001243133.2(NLRP3):c.79T>G (p.Leu27Val)

Gene: NLRP3 (NLR family pyrin domain containing 3; plus strand). Cytogenetic location: 1q44.
Variant type: single nucleotide variant.
Coding change: c.79T>G on transcript NM_001243133.2 (MANE Select); coding-DNA position 79, T replaced by G.
Protein change: p.Leu27Val; replaces leucine 27 with valine.
Molecular consequence: missense variant.
Genome position (GRCh38, 1-based): chr1:247,418,879, T>G. VCF-style: chr1-247418879-T-G. GRCh37 (hg19) VCF-style: chr1-247582181-T-G.
Other names: c.79T>G, p.Leu27Val (NM_001079821.3, NM_001127461.3, NM_001127462.3 and 1 more transcripts); c.85T>G, p.Leu29Val (NM_004895.5); short protein forms L27V, L29V.
Identifiers: ClinVar variation 1721170 (VCV001721170.5), dbSNP rs2527204136, ClinGen allele CA345551809.